The following is an entry in ClinVar:

ClinVar aggregate classification (germline): Uncertain significance (1 of 4 stars; one submission).

gnomAD v4.1: 1 of 1,597,192 alleles (0.000063%); highest among the groups gnomAD compares: Non-Finnish European, 0.000085%; no homozygotes.

Submission:

CeGaT Center for Human Genetics Tuebingen
Classification: Uncertain significance. Last evaluated: 2026-04-01. Review status: criteria provided, single submitter. Criteria: CeGaT Center For Human Genetics Tuebingen Variant Classification Criteria Version 2. Collection method: clinical testing. Allele origin: germline. Affected: yes. Observed: 1 variant allele.
Comment: JAK2: PM2

NM_004972.4(JAK2):c.1097T>C (p.Val366Ala)

Genes: INSL6 (insulin like 6; minus strand), JAK2 (Janus kinase 2; plus strand). Cytogenetic location: 9p24.1.
Variant type: single nucleotide variant.
Coding change: c.1097T>C on transcript NM_004972.4 (MANE Select); coding-DNA position 1097, T replaced by C.
Protein change: p.Val366Ala; replaces valine 366 with alanine.
Molecular consequence: missense variant. On other transcripts: 5 prime UTR variant (2), non-coding transcript variant (2).
Genome position (GRCh38, 1-based): chr9:5,064,923, T>C. VCF-style: chr9-5064923-T-C. GRCh37 (hg19) VCF-style: chr9-5064923-T-C.
Other names: c.1097T>C, p.Val366Ala (NM_001322194.2, NM_001322195.2, NM_001322196.2); c.-119T>C (NM_001322198.2, NM_001322199.2); c.650T>C, p.Val217Ala (NM_001322204.2); short protein forms V217A, V366A.
Identifiers: ClinVar variation 4874512 (VCV004874512.2).